The following is an entry in ClinVar:

ClinVar aggregate classification (germline): Uncertain significance (1 of 4 stars; one submission).

Submission:

GeneDx
Classification: Uncertain significance. Last evaluated: 2024-09-16. Review status: criteria provided, single submitter. Criteria: GeneDx Variant Classification Process June 2021. Collection method: clinical testing. Allele origin: germline. Affected: yes.
Comment: Not observed at significant frequency in large population cohorts (gnomAD); In silico analysis supports a deleterious effect on splicing; Has not been previously published as pathogenic or benign to our knowledge

NM_007347.5(AP4E1):c.420+3_420+9del

Gene: AP4E1 (adaptor related protein complex 4 subunit epsilon 1; plus strand). Cytogenetic location: 15q21.2.
Variant type: Deletion.
Coding change: c.420+3_420+9del on transcript NM_007347.5 (MANE Select); bases 3 to 9 of the intron after coding-DNA position 420, 7 bases deleted (ATTGTAT; older notation c.420+3_420+9delATTGTAT).
Molecular consequence: splice donor variant.
Genome position (GRCh38, 1-based): chr15:50,924,007-50,924,013, ATTGTAT deleted; deleting any 7 consecutive bases within chr15:50,924,006-50,924,013 gives the same sequence; the c. name uses the placement nearest the transcript's 3' end. VCF-style (leftmost placement, unchanged base first): chr15-50924005-GTATTGTA-G. GRCh37 (hg19) VCF-style: chr15-51216202-GTATTGTA-G.
Other names: c.195+3_195+9del (NM_001252127.2).
Identifiers: ClinVar variation 1304905 (VCV001304905.3), dbSNP rs2063739373, ClinGen allele CA2176632220.